The following is an entry in ClinVar:

ClinVar aggregate classification (germline): Likely pathogenic (1 of 4 stars; one submission).

Conditions:
Developmental and epileptic encephalopathy, 7 (DEE7). Also called: Early infantile epileptic encephalopathy 7; KCNQ2-Related Neonatal Epileptic Encephalopathy; KCNQ2-Related Neonatal-Onset Developmental and Epileptic Encephalopathy (NEO-DEE). Identifiers: Orphanet 439218, MedGen C3150986, MONDO:0013387, OMIM 613720.
Seizures, benign familial neonatal, 1. Also called: Benign Neonatal Epilepsy 1; Seizures, benign neonatal, 1; KCNQ2-Related Benign Familial Neonatal Epilepsy; KCNQ2-Related Self-Limited Familial Neonatal Epilepsy (SLFNE). Identifiers: Orphanet 1949, MedGen C3149074, MONDO:0007365, OMIM 121200.

Submission:

Juno Genomics, Hangzhou Juno Genomics, Inc
Classification: Likely pathogenic for Developmental and epileptic encephalopathy, 7; Seizures, benign familial neonatal, 1. Review status: criteria provided, single submitter. Criteria: ACMG Guidelines, 2015. Collection method: clinical testing. Allele origin: germline. Affected: yes.
Comment: Absent from controls (or at extremely low frequency if recessive) in Genome Aggregation Database, Exome Sequencing Project, 1000 Genomes Project, or Exome Aggregation Consortium.;De novo (both maternity and paternity confirmed) in a patient with the disease and no family history.;Multiple lines of computational evidence support a deleterious effect on the gene or gene product (conservation, evolutionary, splicing impact, etc).;Patient's phenotype or family history is highly specific for a disease with a single genetic etiology.;Missense variant in a gene that has a low rate of benign missense variation and where missense variants are a common mechanism of disease.

NM_172107.4(KCNQ2):c.904G>T (p.Val302Phe)

Gene: KCNQ2 (potassium voltage-gated channel subfamily Q member 2; minus strand). Cytogenetic location: 20q13.33.
Variant type: single nucleotide variant.
Coding change: c.904G>T on transcript NM_172107.4 (MANE Select); coding-DNA position 904, G replaced by T.
Protein change: p.Val302Phe; replaces valine 302 with phenylalanine.
Molecular consequence: missense variant.
Genome position (GRCh38, 1-based): chr20:63,439,621, C>A on the plus strand (G>T on the coding strand, the complement: KCNQ2 is on the minus strand). VCF-style: chr20-63439621-C-A. GRCh37 (hg19) VCF-style: chr20-62070974-C-A.
Other names: c.904G>T, p.Val302Phe (NM_172106.3, NM_172108.5, NM_172109.3 and 2 more transcripts); short protein forms V302F.
Identifiers: ClinVar variation 3382512 (VCV003382512.2).